The following is an entry in ClinVar:

ClinVar aggregate classification (germline): Pathogenic. Review status: criteria provided, single submitter (1 of 4 stars). 2 submissions from 2 submitters: Pathogenic (1). 1 of the submissions does not count toward it. Last evaluated 2022-04-29.

Conditions:
KBG syndrome (KBGS). Also called: ANKRD11-Related KBG Syndrome. Identifiers: Orphanet 2332, MedGen C0220687, MONDO:0007846, OMIM 148050.

Submissions (2):

GeneDx
Classification: Pathogenic. Last evaluated: 2022-04-29. Review status: criteria provided, single submitter. Criteria: GeneDx Variant Classification Process June 2021. Collection method: clinical testing. Allele origin: germline. Affected: yes.
Comment: Frameshift variant predicted to result in protein truncation or nonsense mediated decay in a gene for which loss of function is a known mechanism of disease; Not observed at significant frequency in large population cohorts (gnomAD); Has not been previously published as pathogenic or benign to our knowledge

Autoinflammatory diseases unit, CHU de Montpellier
Classification: Likely pathogenic for KBG syndrome. Last evaluated: 2018-05-16. Review status: no assertion criteria provided. Collection method: clinical testing. Allele origin: unknown. Affected: yes. Not counted in ClinVar's aggregate classification.

NM_013275.6(ANKRD11):c.4381_4382del (p.Lys1461fs)

Gene: ANKRD11 (ankyrin repeat domain 11; minus strand). Cytogenetic location: 16q24.3.
Variant type: Deletion.
Coding change: c.4381_4382del on transcript NM_013275.6 (MANE Select); coding-DNA positions 4381 to 4382, 2 bases deleted (AA; older notation c.4381_4382delAA).
Protein change: p.Lys1461fs; shifts the reading frame from lysine 1461.
Molecular consequence: frameshift variant.
Genome position (GRCh38, 1-based): chr16:89,282,160-89,282,161, TT deleted on the plus strand (AA on the coding strand, the reverse complement: ANKRD11 is on the minus strand). VCF-style (leftmost placement, unchanged base first): chr16-89282159-CTT-C. GRCh37 (hg19) VCF-style: chr16-89348567-CTT-C.
Other names: c.4381_4382del, p.Lys1461fs (NM_001256182.2, NM_001256183.2); short protein forms K1461fs.
Identifiers: ClinVar variation 981713 (VCV000981713.4), dbSNP rs2034308476, ClinGen allele CA1139664922.